The following is an entry in ClinVar:

ClinVar aggregate classification (germline): Likely benign. Review status: criteria provided, multiple submitters, no conflicts (2 of 4 stars). 2 submissions from 2 submitters: Likely benign (2). Last evaluated 2018-06-14.

Allele frequency attached by ClinVar (database versions not stated): gnomAD exomes 0.00097; gnomAD 0.00756 and 0.00803; TOPMed 0.00843; 1000 Genomes Project 0.01278; 1000 Genomes Project 30x 0.01374.
gnomAD v4.1: 1,815 of 799,544 alleles (0.23%); highest among the groups gnomAD compares: African/African-American, 2.5%; 29 homozygotes.

Submissions (2):

GeneDx
Classification: Likely benign. Last evaluated: 2018-06-14. Review status: criteria provided, single submitter. Criteria: GeneDx Variant Classification (06012015). Collection method: clinical testing. Allele origin: germline. Affected: yes.
Comment: This variant is considered likely benign or benign based on one or more of the following criteria: it is a conservative change, it occurs at a poorly conserved position in the protein, it is predicted to be benign by multiple in silico algorithms, and/or has population frequency not consistent with disease.

Breakthrough Genomics
Classification: Likely benign. Review status: criteria provided, single submitter. Criteria: ACMG Guidelines, 2015. Collection method: not provided. Allele origin: germline. Inheritance: Autosomal dominant inheritance. Affected: yes.

NM_001040142.2(SCN2A):c.2388+126G>A

Gene: SCN2A (sodium voltage-gated channel alpha subunit 2; plus strand). Cytogenetic location: 2q24.3.
Variant type: single nucleotide variant.
Coding change: c.2388+126G>A on transcript NM_001040142.2 (MANE Select); 126 bases into the intron after coding-DNA position 2388, G replaced by A.
Molecular consequence: intron variant.
Genome position (GRCh38, 1-based): chr2:165,331,694, G>A. VCF-style: chr2-165331694-G-A. GRCh37 (hg19) VCF-style: chr2-166188204-G-A.
Other names: c.2388+126G>A (NM_001040143.2, NM_001371246.1, NM_001371247.1 and 1 more transcripts).
Identifiers: ClinVar variation 677805 (VCV000677805.2), dbSNP rs142860891, ClinGen allele CA59741495.